The following is an entry in ClinVar:

ClinVar aggregate classification (germline): Likely benign (1 of 4 stars; one submission).

Conditions:
Familial thoracic aortic aneurysm and aortic dissection (TAAD). Also called: Thoracic aortic aneurysms and dissections. Identifiers: Orphanet 91387, MedGen C4707243, MONDO:0019625.

Submission:

All of Us Research Program, National Institutes of Health
Classification: Likely benign for Familial thoracic aortic aneurysm and aortic dissection. Last evaluated: 2023-03-09. Review status: criteria provided, single submitter. Criteria: ACMG Guidelines, 2015. Collection method: clinical testing. Allele origin: germline. Inheritance: Autosomal dominant inheritance. Observed: 1 variant allele, 1 heterozygote.
Comment: This study involves interpretation of variants in research participants for the purpose of population health screening. Participant phenotype was not available at the time of variant classification. Additional details can be found in publication PMID: 35346344, PMCID: PMC8962531

NM_002474.3(MYH11):c.2976T>C (p.Asp992=)

Gene: MYH11 (myosin heavy chain 11; minus strand). Cytogenetic location: 16p13.11.
Variant type: single nucleotide variant.
Coding change: c.2976T>C on transcript NM_002474.3 (MANE Select); coding-DNA position 2976, T replaced by C.
Protein change: p.Asp992=; no amino-acid change (aspartic acid 992 retained).
Molecular consequence: synonymous variant.
Genome position (GRCh38, 1-based): chr16:15,740,072, A>G on the plus strand (T>C on the coding strand, the complement: MYH11 is on the minus strand). VCF-style: chr16-15740072-A-G. GRCh37 (hg19) VCF-style: chr16-15833929-A-G.
Other names: c.2997T>C, p.Asp999= (NM_001040113.2, NM_001040114.2); c.2976T>C, p.Asp992= (NM_022844.3).
Identifiers: ClinVar variation 3069788 (VCV003069788.1), dbSNP rs2506197783, ClinGen allele CA493785640.
Genomic context (GRCh38, chr16:15,740,072, plus strand): 5'-GATTATAGGCGTGAGCCACTGCACCCGGCCCCTACTCACTTTTGATAGTTTATTGTTCTG[A>G]TCATCCATGACCAGGATCTCATCCTCCAGTTTCTTGATCTTGGCCTCAGCCGTGACCTTC-3'
Protein context (NP_002465.1, residues 982-1002): KLEDEILVMD[Asp992=]QNNKLSKERK